The following is an entry in ClinVar:

ClinVar aggregate classification (germline): Pathogenic/Likely pathogenic. Review status: criteria provided, multiple submitters, no conflicts (2 of 4 stars). 3 submissions from 3 submitters: Pathogenic (2); Likely pathogenic (1). Last evaluated 2025-03-10.

Conditions:
Marfan syndrome (MFS). Also called: Marfan syndrome, classic; FBN1-Related Marfan Syndrome; Marfan syndrome type 1; Marfan's syndrome; MARFAN SYNDROME, TYPE I. Identifiers: Orphanet 284963, Orphanet 558, MedGen C0024796, MONDO:0007947, OMIM 154700.
Familial thoracic aortic aneurysm and aortic dissection (TAAD). Also called: Thoracic aortic aneurysms and dissections. Identifiers: Orphanet 91387, MedGen C4707243, MONDO:0019625.

Submissions (3):

GeneDx
Classification: Likely pathogenic. Last evaluated: 2025-03-10. Review status: criteria provided, single submitter. Criteria: GeneDx Variant Classification Process June 2021. Collection method: clinical testing. Allele origin: germline. Affected: yes.
Comment: Not observed at significant frequency in large population cohorts (gnomAD); In silico analysis supports that this missense variant has a deleterious effect on protein structure/function; Affects a cysteine residue within an EGF-like domain of the FBN1 gene, which may affect disulfide bonding and is predicted to alter the structure and function of the protein; cysteine substitutions in the EGF-like domains represent the majority of pathogenic missense changes associated with FBN1-related disorders (PMID: 12938084); This variant is associated with the following publications: (PMID: 12938084, 16222657)

Mendelics
Classification: Pathogenic for Marfan syndrome. Last evaluated: 2023-03-30. Review status: criteria provided, single submitter. Criteria: Mendelics Assertion Criteria 2017. Collection method: clinical testing. Allele origin: unknown.

Labcorp Genetics (formerly Invitae), Labcorp
Classification: Pathogenic for Marfan syndrome; Familial thoracic aortic aneurysm and aortic dissection. Last evaluated: 2018-12-15. Review status: criteria provided, single submitter. Criteria: Invitae Variant Classification Sherloc (09022015). Collection method: clinical testing. Allele origin: germline.
Comment: This sequence change replaces cysteine with tyrosine at codon 2500 of the FBN1 protein (p.Cys2500Tyr). The cysteine residue is highly conserved and there is a large physicochemical difference between cysteine and tyrosine. This variant is not present in population databases (ExAC no frequency). This variant has been observed in individuals with clinical features of Marfan syndrome (PMID: 16222657, Invitae). ClinVar contains an entry for this variant (Variation ID: 199953). This variant affects a cysteine residue in the EGF-like, TGFBP or hybrid motif domains of FBN1. Cysteine residues are believed to be involved in intramolecular disulfide bridges and have been shown to be important for FBN1 protein structure (PMID: 16905551, 19349279). In addition, missense substitutions affecting cysteine residues within these domains are significantly overrepresented among patients with Marfan syndrome (PMID: 16571647, 17701892). This variant disrupts the p.Cys2500 amino acid residue in FBN1. Other variant(s) that disrupt this residue have been observed in individuals with FBN1-related conditions (PMID: 16222657, 11875032), which suggests that this may be a clinically significant amino acid residue. For these reasons, this variant has been classified as Pathogenic.

Literature cited by the submitters: PubMed 16222657 (cited by Labcorp Genetics (formerly Invitae), Labcorp); PubMed 16905551 (cited by Labcorp Genetics (formerly Invitae), Labcorp); PubMed 19349279 (cited by Labcorp Genetics (formerly Invitae), Labcorp); PubMed 16571647 (cited by Labcorp Genetics (formerly Invitae), Labcorp); PubMed 17701892 (cited by Labcorp Genetics (formerly Invitae), Labcorp); PubMed 11875032 (cited by Labcorp Genetics (formerly Invitae), Labcorp).

NM_000138.5(FBN1):c.7499G>A (p.Cys2500Tyr)

Gene: FBN1 (fibrillin 1; minus strand). Cytogenetic location: 15q21.1.
Variant type: single nucleotide variant.
Coding change: c.7499G>A on transcript NM_000138.5 (MANE Select); coding-DNA position 7499, G replaced by A.
Protein change: p.Cys2500Tyr; replaces cysteine 2500 with tyrosine.
Molecular consequence: missense variant.
Genome position (GRCh38, 1-based): chr15:48,422,023, C>T on the plus strand (G>A on the coding strand, the complement: FBN1 is on the minus strand). VCF-style: chr15-48422023-C-T. GRCh37 (hg19) VCF-style: chr15-48714220-C-T.
Other names: p.C2500Y:TGT>TAT; short protein forms C2500Y.
Identifiers: ClinVar variation 199953 (VCV000199953.17), dbSNP rs794728160, ClinGen allele CA017230.